The following is an entry in ClinVar:

NM_016169.4(SUFU):c.1335G>C (p.Glu445Asp)

Gene: SUFU (SUFU negative regulator of hedgehog signaling; plus strand). Cytogenetic location: 10q24.32.
Variant type: single nucleotide variant.
Coding change: c.1335G>C on transcript NM_016169.4 (MANE Select); coding-DNA position 1335, G replaced by C.
Protein change: p.Glu445Asp; replaces glutamic acid 445 with aspartic acid.
Molecular consequence: missense variant.
Genome position (GRCh38, 1-based): chr10:102,627,213, G>C. VCF-style: chr10-102627213-G-C. GRCh37 (hg19) VCF-style: chr10-104386970-G-C.
Other names: short protein forms E445D.
Identifiers: ClinVar variation 818838 (VCV000818838.7), dbSNP rs1590092132, ClinGen allele CA377918804.

ClinVar aggregate classification (germline): Conflicting classifications of pathogenicity. Review status: criteria provided, conflicting classifications (1 of 4 stars). 2 submissions from 2 submitters: Uncertain significance (1); Likely benign (1). Last evaluated 2025-08-11.

Conditions:
Hereditary cancer-predisposing syndrome. Also called: Hereditary Cancer Syndrome; Neoplastic Syndromes, Hereditary; Hereditary neoplastic syndrome; Tumor predisposition. Identifiers: Orphanet 140162, MedGen C0027672, MeSH D009386, MONDO:0015356.
Gorlin syndrome. Also called: Nevoid Basal Cell Carcinoma Syndrome; Basal cell nevus syndrome. Identifiers: Orphanet 377, MedGen C0004779, MONDO:0007187.
Medulloblastoma (MDB). Also called: Medulloblastoma, somatic; MEDULLOBLASTOMA PREDISPOSITION SYNDROME. Identifiers: Orphanet 616, MedGen C0025149, MeSH D008527, MONDO:0007959, OMIM 155255, HP:0002885.

Submissions (2):

Labcorp Genetics (formerly Invitae), Labcorp
Classification: Uncertain significance for Gorlin syndrome; Medulloblastoma. Last evaluated: 2025-08-11. Review status: criteria provided, single submitter. Criteria: Invitae Variant Classification Sherloc (09022015). Collection method: clinical testing. Allele origin: germline.
Comment: This sequence change replaces glutamic acid, which is acidic and polar, with aspartic acid, which is acidic and polar, at codon 445 of the SUFU protein (p.Glu445Asp). This variant is not present in population databases (gnomAD no frequency). This variant has not been reported in the literature in individuals affected with SUFU-related conditions. ClinVar contains an entry for this variant (Variation ID: 818838). Invitae Evidence Modeling of protein sequence and biophysical properties (such as structural, functional, and spatial information, amino acid conservation, physicochemical variation, residue mobility, and thermodynamic stability) indicates that this missense variant is not expected to disrupt SUFU protein function with a negative predictive value of 80%. In summary, the available evidence is currently insufficient to determine the role of this variant in disease. Therefore, it has been classified as a Variant of Uncertain Significance.

Ambry Genetics
Classification: Likely benign for Hereditary cancer-predisposing syndrome. Last evaluated: 2025-07-08. Review status: criteria provided, single submitter. Criteria: Ambry Variant Classification Scheme 2023. Collection method: clinical testing. Allele origin: germline.